The following is an entry in ClinVar:

ClinVar aggregate classification (germline): Uncertain significance (1 of 4 stars; one submission).

Allele frequency attached by ClinVar (database versions not stated): gnomAD exomes below 0.00001; ExAC 0.00001.

Submission:

Labcorp Genetics (formerly Invitae), Labcorp
Classification: Uncertain significance. Last evaluated: 2023-02-04. Review status: criteria provided, single submitter. Criteria: Invitae Variant Classification Sherloc (09022015). Collection method: clinical testing. Allele origin: germline.
Comment: Advanced modeling of protein sequence and biophysical properties (such as structural, functional, and spatial information, amino acid conservation, physicochemical variation, residue mobility, and thermodynamic stability) performed at Invitae indicates that this missense variant is not expected to disrupt CREB3L3 protein function. In summary, the available evidence is currently insufficient to determine the role of this variant in disease. Therefore, it has been classified as a Variant of Uncertain Significance. This variant has not been reported in the literature in individuals affected with CREB3L3-related conditions. This sequence change replaces cysteine, which is neutral and slightly polar, with phenylalanine, which is neutral and non-polar, at codon 176 of the CREB3L3 protein (p.Cys176Phe). This variant is present in population databases (rs779427637, gnomAD 0.003%).

NM_032607.3(CREB3L3):c.527G>T (p.Cys176Phe)

Gene: CREB3L3 (cAMP responsive element binding protein 3 like 3; plus strand). Cytogenetic location: 19p13.3.
Variant type: single nucleotide variant.
Coding change: c.527G>T on transcript NM_032607.3 (MANE Select); coding-DNA position 527, G replaced by T.
Protein change: p.Cys176Phe; replaces cysteine 176 with phenylalanine.
Molecular consequence: missense variant.
Genome position (GRCh38, 1-based): chr19:4,159,733, G>T. VCF-style: chr19-4159733-G-T. GRCh37 (hg19) VCF-style: chr19-4159730-G-T.
Other names: c.524G>T, p.Cys175Phe (NM_001271995.2); c.527G>T, p.Cys176Phe (NM_001271996.2, NM_001271997.2); short protein forms C175F, C176F.
Identifiers: ClinVar variation 2804468 (VCV002804468.3), dbSNP rs779427637, ClinGen allele CA9091351.
Genomic context (GRCh38, chr19:4,159,733, plus strand): 5'-GCCCAGGAGGAAGGATCTGTGCTGAGAAGCCGGCTGATCCGGTGGACCTGTCCCCACGAT[G>T]CAATCTCACCGTGAAAGACCTCCTCCTTTCGGGCAGCAGTGGGGACCTGGTGAGCACCCC-3'
Protein context (NP_115996.1, residues 166-186): PADPVDLSPR[Cys176Phe]NLTVKDLLLS